The following is an entry in ClinVar:

ClinVar aggregate classification (germline): Pathogenic (1 of 4 stars; one submission).

Conditions:
Microcephaly, normal intelligence and immunodeficiency (NBS). Also called: Nijmegen breakage syndrome; Microcephaly with normal intelligence immunodeficiency and lymphoreticular malignancies; Nonsyndromal microcephaly autosomal recessive with normal intelligence; Seemanova syndrome 2; IMMUNODEFICIENCY, MICROCEPHALY, AND CHROMOSOMAL INSTABILITY; SEEMANOVA SYNDROME II. Identifiers: Orphanet 647, MedGen C0398791, MONDO:0009623, OMIM 251260.

Submission:

Labcorp Genetics (formerly Invitae), Labcorp
Classification: Pathogenic for Microcephaly, normal intelligence and immunodeficiency. Last evaluated: 2023-07-14. Review status: criteria provided, single submitter. Criteria: Invitae Variant Classification Sherloc (09022015). Collection method: clinical testing. Allele origin: germline.
Comment: For these reasons, this variant has been classified as Pathogenic. Studies have shown that disruption of this splice site results in skipping of exon 5 and introduces a premature termination codon (Invitae). The resulting mRNA is expected to undergo nonsense-mediated decay. This sequence change affects an acceptor splice site in intron 4 of the NBN gene. RNA analysis indicates that disruption of this splice site induces altered splicing and may result in an absent or disrupted protein product. This variant is not present in population databases (gnomAD no frequency). This variant has not been reported in the literature in individuals affected with NBN-related conditions. ClinVar contains an entry for this variant (Variation ID: 1476963).

NM_002485.5(NBN):c.481-2A>C

Gene: NBN (nibrin; minus strand). Cytogenetic location: 8q21.3.
Variant type: single nucleotide variant.
Coding change: c.481-2A>C on transcript NM_002485.5 (MANE Select); the canonical splice acceptor site of the intron before coding-DNA position 481, A replaced by C.
Molecular consequence: splice acceptor variant.
Genome position (GRCh38, 1-based): chr8:89,978,325, T>G on the plus strand (A>C on the coding strand, the complement: NBN is on the minus strand). VCF-style: chr8-89978325-T-G. GRCh37 (hg19) VCF-style: chr8-90990553-T-G.
Other names: c.235-2A>C (NM_001024688.3).
Identifiers: ClinVar variation 1476963 (VCV001476963.6), dbSNP rs751567476, ClinGen allele CA371660743.
Genomic context (GRCh38, chr8:89,978,325, plus strand): 5'-AATTCAGTAAAATATTCTGGCTTTACAATTGGACGTCCACAAATGAGTGCACATATTGTC[T>G]ACAATGAAGAAAACATGTGAATATATATATTCACATGCTAGCATTTTTTAAAGAAAAGTT-3'